The following is an entry in ClinVar:

NM_001626.6(AKT2):c.960+3G>T

Gene: AKT2 (AKT serine/threonine kinase 2; minus strand). Cytogenetic location: 19q13.2.
Variant type: single nucleotide variant.
Coding change: c.960+3G>T on transcript NM_001626.6 (MANE Select); 3 bases into the intron after coding-DNA position 960, G replaced by T.
Molecular consequence: intron variant.
Genome position (GRCh38, 1-based): chr19:40,236,254, C>A on the plus strand (G>T on the coding strand, the complement: AKT2 is on the minus strand). VCF-style: chr19-40236254-C-A. GRCh37 (hg19) VCF-style: chr19-40742161-C-A.
Other names: c.774+3G>T (NM_001243028.3, NM_001243027.3); c.832-150G>T (NM_001330511.1); c.960+3G>T (NM_001626.4).
Identifiers: ClinVar variation 1505492 (VCV001505492.7), dbSNP rs56165898, ClinGen allele CA9441630.

ClinVar aggregate classification (germline): Uncertain significance. Review status: criteria provided, multiple submitters, no conflicts (2 of 4 stars). 2 submissions from 2 submitters: Uncertain significance (2). Last evaluated 2022-09-29.

Conditions:
Type 2 diabetes mellitus. Also called: Type II diabetes mellitus. Identifiers: MedGen C0011860, MeSH D003924, MONDO:0005148, OMIM 125853, HP:0005978.
Hypoinsulinemic hypoglycemia and body hemihypertrophy. Also called: Hypoinsulinemic hypoglycemia and hemihypertrophy. Identifiers: Orphanet 293964, MedGen C3278384, MONDO:0009416, OMIM 240900.
Inborn genetic diseases. Identifiers: MedGen C0950123, MeSH D030342.

gnomAD v4.1: 4 of 1,613,686 alleles (0.00025%); highest among the groups gnomAD compares: South Asian, 0.0011%; no homozygotes.

Submissions (2):

Ambry Genetics
Classification: Uncertain significance for Inborn genetic diseases. Last evaluated: 2022-09-29. Review status: criteria provided, single submitter. Criteria: Ambry Variant Classification Scheme 2023. Collection method: clinical testing. Allele origin: germline.
Comment: The c.960+3G>T intronic alteration consists of a G to T substitution 3 nucleotides after exon 10 (coding exon 9) of the AKT2 gene. Based on insufficient or conflicting evidence, the clinical significance of this alteration remains unclear.

Labcorp Genetics (formerly Invitae), Labcorp
Classification: Uncertain significance for Hypoinsulinemic hypoglycemia and body hemihypertrophy; Type 2 diabetes mellitus. Last evaluated: 2021-08-11. Review status: criteria provided, single submitter. Criteria: Invitae Variant Classification Sherloc (09022015). Collection method: clinical testing. Allele origin: germline.
Comment: This variant is present in population databases (rs56165898, ExAC 0.006%). This sequence change falls in intron 10 of the AKT2 gene. It does not directly change the encoded amino acid sequence of the AKT2 protein. It affects a nucleotide within the consensus splice site of the intron. This variant has not been reported in the literature in individuals affected with AKT2-related conditions. In summary, the available evidence is currently insufficient to determine the role of this variant in disease. Therefore, it has been classified as a Variant of Uncertain Significance. Variants that disrupt the consensus splice site are a relatively common cause of aberrant splicing (PMID: 17576681, 9536098). Algorithms developed to predict the effect of sequence changes on RNA splicing suggest that this variant may disrupt the consensus splice site.

Literature cited by the submitters: PubMed 17576681 (cited by Labcorp Genetics (formerly Invitae), Labcorp); PubMed 9536098 (cited by Labcorp Genetics (formerly Invitae), Labcorp).